The following is an entry in ClinVar:

NM_138576.4(BCL11B):c.1521C>T (p.Gly507=)

Gene: BCL11B (BCL11 transcription factor B; minus strand). Cytogenetic location: 14q32.2.
Variant type: single nucleotide variant.
Coding change: c.1521C>T on transcript NM_138576.4 (MANE Select); coding-DNA position 1521, C replaced by T.
Protein change: p.Gly507=; no amino-acid change (glycine 507 retained).
Molecular consequence: synonymous variant.
Genome position (GRCh38, 1-based): chr14:99,175,315, G>A on the plus strand (C>T on the coding strand, the complement: BCL11B is on the minus strand). VCF-style: chr14-99175315-G-A. GRCh37 (hg19) VCF-style: chr14-99641652-G-A.
Other names: c.1518C>T, p.Gly506= (NM_001282237.2); c.1305C>T, p.Gly435= (NM_001282238.2); c.1308C>T, p.Gly436= (NM_022898.3); c.1308C>T (NM_022898.2).
Identifiers: ClinVar variation 1568539 (VCV001568539.37), dbSNP rs745896590, ClinGen allele CA7339653.

ClinVar aggregate classification (germline): Benign/Likely benign. Review status: criteria provided, multiple submitters, no conflicts (2 of 4 stars). 6 submissions from 6 submitters: Benign (2); Likely benign (3). 1 of the submissions does not count toward it. Last evaluated 2026-02-01.

Conditions:
Immunodeficiency 49 (IMD49). Also called: SEVERE COMBINED IMMUNODEFICIENCY, T CELL-NEGATIVE, B CELL-POSITIVE, NK CELL-POSITIVE, WITH INTELLECTUAL DISABILITY, SPASTICITY, AND CRANIOFACIAL ABNORMALITIES; SCID, T CELL-NEGATIVE, B CELL-POSITIVE, NK CELL-POSITIVE, WITH INTELLECTUAL DISABILITY, SPASTICITY, AND CRANIOFACIAL ABNORMALITIES; IMMUNODEFICIENCY 49, SEVERE COMBINED. Identifiers: MedGen C4310656, MONDO:0014981, OMIM 617237.
Intellectual developmental disorder with speech delay, dysmorphic facies, and t-cell abnormalities. Also called: BCL11B-related BAFopathy. Identifiers: Orphanet 662829, MedGen C4748152, MONDO:0060763, OMIM 618092.
BCL11B-related disorder. Also called: BCL11B-Related Disorders.

Allele frequency attached by ClinVar (database versions not stated): 1000 Genomes Project 30x 0.00016; TOPMed 0.00031; gnomAD exomes 0.00042; gnomAD 0.00057 and 0.00062; ExAC 0.00120.
gnomAD v4.1: 670 of 1,542,068 alleles (0.043%); highest among the groups gnomAD compares: Non-Finnish European, 0.049%; no homozygotes.

Submissions (6):

CeGaT Center for Human Genetics Tuebingen
Classification: Likely benign. Last evaluated: 2026-02-01. Review status: criteria provided, single submitter. Criteria: CeGaT Center For Human Genetics Tuebingen Variant Classification Criteria Version 2. Collection method: clinical testing. Allele origin: germline. Affected: yes. Observed: 3 variant alleles.
Comment: BCL11B: BP4, BP7

Labcorp Genetics (formerly Invitae), Labcorp
Classification: Benign. Last evaluated: 2026-01-18. Review status: criteria provided, single submitter. Criteria: Invitae Variant Classification Sherloc (09022015). Collection method: clinical testing. Allele origin: germline.

Laboratory of Genetics, Children's Clinical University Hospital Latvia
Classification: Benign. Last evaluated: 2025-02-16. Review status: criteria provided, single submitter. Criteria: ACMG Guidelines, 2015. Collection method: clinical testing. Allele origin: germline. Affected: yes.

Blueprint Genetics
Classification: Likely benign. Last evaluated: 2024-11-27. Review status: criteria provided, single submitter. Criteria: ACMG Guidelines, 2015. Collection method: clinical testing. Allele origin: germline.

Center for Genomics, Ann and Robert H. Lurie Children's Hospital of Chicago
Classification: Likely benign for Immunodeficiency 49; Intellectual developmental disorder with speech delay, dysmorphic facies, and t-cell abnormalities. Review status: criteria provided, single submitter. Criteria: ACMG Guidelines, 2015. Collection method: clinical testing. Allele origin: germline.
Comment: This variant has not been reported in the literature but is present in the Genome Aggregation Database (Highest reported MAF 0.1% (14/10572). This variant is present in ClinVar (Variation ID:1568539). Evolutionary conservation and computational predictive tools for this variant are limited or unavailable. Of note, this variant is a silent variant and does not change the amino acid, reducing the probability that this variant is disease causing. However, although this variant occurs in the exonic region, computational prediction tools suggest that it alters splicing. Further studies are needed to understand its impact. In summary, data on this variant suggests that this variant does not cause disease but requires further evidence. Therefore, this variant is classified as likely benign.

PreventionGenetics, part of Exact Sciences
Classification: Likely benign for BCL11B-related condition. Last evaluated: 2022-02-10. Review status: no assertion criteria provided. Collection method: clinical testing. Allele origin: germline. Not counted in ClinVar's aggregate classification.
Comment: This variant is classified as likely benign based on ACMG/AMP sequence variant interpretation guidelines (Richards et al. 2015 PMID: 25741868, with internal and published modifications).